The following is an entry in ClinVar:

ClinVar aggregate classification (germline): Uncertain significance (1 of 4 stars; one submission).

Submission:

GeneDx
Classification: Uncertain significance. Last evaluated: 2024-10-03. Review status: criteria provided, single submitter. Criteria: GeneDx Variant Classification Process June 2021. Collection method: clinical testing. Allele origin: germline. Affected: yes.
Comment: Not observed at significant frequency in large population cohorts (gnomAD); In silico analysis indicates that this missense variant does not alter protein structure/function; Has not been previously published as pathogenic or benign to our knowledge

NM_002471.4(MYH6):c.3200G>A (p.Ser1067Asn)

Gene: MYH6 (myosin heavy chain 6; minus strand). Cytogenetic location: 14q11.2.
Variant type: single nucleotide variant.
Coding change: c.3200G>A on transcript NM_002471.4 (MANE Select); coding-DNA position 3200, G replaced by A.
Protein change: p.Ser1067Asn; replaces serine 1067 with asparagine.
Molecular consequence: missense variant.
Genome position (GRCh38, 1-based): chr14:23,392,963, C>T on the plus strand (G>A on the coding strand, the complement: MYH6 is on the minus strand). VCF-style: chr14-23392963-C-T. GRCh37 (hg19) VCF-style: chr14-23862172-C-T.
Other names: short protein forms S1067N.
Identifiers: ClinVar variation 3776560 (VCV003776560.1).